The following is an entry in ClinVar:

NM_001276345.2(TNNT2):c.348C>T (p.Ile116=)

Gene: TNNT2 (troponin T2, cardiac type; minus strand). Cytogenetic location: 1q32.1.
Variant type: single nucleotide variant.
Coding change: c.348C>T on transcript NM_001276345.2 (MANE Select); coding-DNA position 348, C replaced by T.
Protein change: p.Ile116=; no amino-acid change (isoleucine 116 retained).
Molecular consequence: synonymous variant. On other transcripts: intron variant (1).
Genome position (GRCh38, 1-based): chr1:201,365,254, G>A on the plus strand (C>T on the coding strand, the complement: TNNT2 is on the minus strand). VCF-style: chr1-201365254-G-A. GRCh37 (hg19) VCF-style: chr1-201334382-G-A.
Other names: p.I106I:ATC>ATT; p.Ile106=; c.348C>T, p.Ile116= (NM_000364.4); c.318C>T, p.Ile106= (NM_001001430.3, NM_001001431.3, NM_001276347.2); c.303C>T, p.Ile101= (NM_001001432.3); c.291+356C>T (NM_001276346.2).
Identifiers: ClinVar variation 43632 (VCV000043632.44), dbSNP rs3729547, ClinGen allele CA004354.
Genomic context (GRCh38, chr1:201,365,254, plus strand): 5'-CCTGTCTTTGAGAGAAACGAGCTCCTCCTCCTCTTTCTTCCTGTTCTCAAAGTGAGCCTC[G>A]ATCAGCGCCTGCAACTCATTCAGGTCCTTCTCCATGCGCTTCCGGTGGATGTCCTGTGGG-3'
Protein context (NP_001263274.1, residues 106-126): EKDLNELQAL[Ile116=]EAHFENRKKE

ClinVar aggregate classification (germline): Benign/Likely benign. Review status: criteria provided, multiple submitters, no conflicts (2 of 4 stars). 20 submissions from 17 submitters: Benign (12); Likely benign (1). 7 of the submissions do not count toward it. Last evaluated 2026-02-04.

Conditions:
Cardiovascular phenotype. Identifiers: MedGen CN230736.
Hypertrophic cardiomyopathy 2. Also called: TNNT2-Related Familial Hypertrophic Cardiomyopathy. Identifiers: MedGen C1861864, MONDO:0007266, OMIM 115195.
Dilated cardiomyopathy 1D. Identifiers: Orphanet 154, Orphanet 54260, MedGen C1832243, MONDO:0011095, OMIM 601494.
Cardiomyopathy, familial restrictive, 3. Identifiers: Orphanet 75249, MedGen C2676271, MONDO:0012900, OMIM 612422.
Cardiomyopathy (CMYO). Also called: Cardiomyopathies. Identifiers: Orphanet 167848, MedGen C0878544, MONDO:0004994, HP:0001638. Inheritance: Various modes of inheritance.
Hypertrophic cardiomyopathy. Also called: HYPERTROPHIC MYOCARDIOPATHY. Identifiers: Orphanet 217569, MedGen C0007194, MeSH D002312, MONDO:0005045, HP:0001639.

Allele frequency attached by ClinVar (database versions not stated): ESP Exome Variant Server 0.68276; TOPMed 0.68647; gnomAD 0.69444 and 0.69917; 1000 Genomes Project 0.69509; 1000 Genomes Project 30x 0.69956; gnomAD exomes 0.71526 and 0.72276; ExAC 0.71940.
gnomAD v4.1: 1,152,227 of 1,613,718 alleles (71%); highest among the groups gnomAD compares: South Asian, 81%; 413,386 homozygotes.

Submissions (20):

Labcorp Genetics (formerly Invitae), Labcorp
Classification: Benign for Cardiomyopathy, familial restrictive, 3; Hypertrophic cardiomyopathy 2; Dilated cardiomyopathy 1D. Last evaluated: 2026-02-04. Review status: criteria provided, single submitter. Criteria: Invitae Variant Classification Sherloc (09022015). Collection method: clinical testing. Allele origin: germline.

Blueprint Genetics
Classification: Benign. Last evaluated: 2024-11-26. Review status: criteria provided, single submitter. Criteria: ACMG Guidelines, 2015. Collection method: clinical testing. Allele origin: germline.

Genome-Nilou Lab
Classification: Benign for Dilated cardiomyopathy 1D. Last evaluated: 2021-09-10. Review status: criteria provided, single submitter. Criteria: ACMG Guidelines, 2015. Collection method: clinical testing. Allele origin: germline. Affected: no.

Genome-Nilou Lab
Classification: Benign for Cardiomyopathy, familial restrictive, 3. Last evaluated: 2021-09-10. Review status: criteria provided, single submitter. Criteria: ACMG Guidelines, 2015. Collection method: clinical testing. Allele origin: germline. Affected: no.

Genome-Nilou Lab
Classification: Benign for Hypertrophic cardiomyopathy 2. Last evaluated: 2021-09-10. Review status: criteria provided, single submitter. Criteria: ACMG Guidelines, 2015. Collection method: clinical testing. Allele origin: germline. Affected: no.

Color Diagnostics, LLC DBA Color Health
Classification: Benign for Cardiomyopathy. Last evaluated: 2018-03-15. Review status: criteria provided, single submitter. Criteria: ACMG Guidelines, 2015. Collection method: clinical testing. Allele origin: germline.

Ambry Genetics
Classification: Benign for Cardiovascular phenotype. Last evaluated: 2015-06-12. Review status: criteria provided, single submitter. Criteria: Ambry Variant Classification Scheme 2023. Collection method: clinical testing. Allele origin: germline.

Mayo Clinic Laboratories, Mayo Clinic
Classification: Benign. Last evaluated: 2014-05-07. Review status: criteria provided, single submitter. Criteria: ACMG Guidelines, 2015. Collection method: clinical testing. Allele origin: germline. Observed: 1,493 variant alleles.

GeneDx
Classification: Benign. Last evaluated: 2012-09-25. Review status: criteria provided, single submitter. Criteria: GeneDx Variant Classification (06012015). Collection method: clinical testing. Allele origin: germline. Affected: yes.
Comment: This variant is considered likely benign or benign based on one or more of the following criteria: it is a conservative change, it occurs at a poorly conserved position in the protein, it is predicted to be benign by multiple in silico algorithms, and/or has population frequency not consistent with disease.

Laboratory for Molecular Medicine, Mass General Brigham Personalized Medicine
Classification: Benign. Last evaluated: 2008-01-18. Review status: criteria provided, single submitter. Criteria: LMM Criteria. Collection method: clinical testing. Allele origin: germline. Observed: 4,472 variant alleles.

Breakthrough Genomics
Classification: Likely benign. Review status: criteria provided, single submitter. Criteria: ACMG Guidelines, 2015. Collection method: not provided. Allele origin: germline. Inheritance: Autosomal dominant inheritance. Affected: yes.

Molecular Diagnostic Laboratory for Inherited Cardiovascular Disease, Montreal Heart Institute
Classification: Benign. Review status: criteria provided, single submitter. Criteria: ACMG Guidelines, 2015. Collection method: clinical testing. Allele origin: germline. Affected: yes.

PreventionGenetics, part of Exact Sciences
Classification: Benign. Review status: criteria provided, single submitter. Criteria: ACMG Guidelines, 2015. Collection method: clinical testing. Allele origin: germline.

Cohesion Phenomics
Classification: Benign for Cardiomyopathy. Last evaluated: 2022-10-10. Review status: no assertion criteria provided. Criteria: ACMG Guidelines, 2015. Collection method: clinical testing. Allele origin: germline. Affected: yes. Not counted in ClinVar's aggregate classification.

Cohesion Phenomics
Classification: Benign for Hypertrophic Cardiomyopathy. Last evaluated: 2022-09-27. Review status: no assertion criteria provided. Criteria: ACMG Guidelines, 2015. Collection method: clinical testing. Allele origin: germline. Affected: yes. Not counted in ClinVar's aggregate classification.

Clinical Genetics DNA and cytogenetics Diagnostics Lab, Erasmus MC, Erasmus Medical Center
Classification: Benign. Review status: no assertion criteria provided. Collection method: clinical testing. Allele origin: germline. Affected: yes. Study: VKGL Data-share Consensus. Not counted in ClinVar's aggregate classification.

Clinical Genetics, Academic Medical Center
Classification: Benign. Review status: no assertion criteria provided. Collection method: clinical testing. Allele origin: germline. Affected: yes. Study: VKGL Data-share Consensus. Not counted in ClinVar's aggregate classification.

Diagnostic Laboratory, Department of Genetics, University Medical Center Groningen
Classification: Benign. Review status: no assertion criteria provided. Collection method: clinical testing. Allele origin: germline. Affected: yes. Study: VKGL Data-share Consensus. Not counted in ClinVar's aggregate classification.

Genome Diagnostics Laboratory, University Medical Center Utrecht
Classification: Benign. Review status: no assertion criteria provided. Collection method: clinical testing. Allele origin: germline. Affected: yes. Study: VKGL Data-share Consensus. Not counted in ClinVar's aggregate classification.

Joint Genome Diagnostic Labs from Nijmegen and Maastricht, Radboudumc and MUMC+
Classification: Benign. Review status: no assertion criteria provided. Collection method: clinical testing. Allele origin: germline. Affected: yes. Study: VKGL Data-share Consensus. Not counted in ClinVar's aggregate classification.